The following is an entry in ClinVar:

NM_004863.4(SPTLC2):c.*523C>T

Gene: SPTLC2 (serine palmitoyltransferase long chain base subunit 2; minus strand). Cytogenetic location: 14q24.3.
Variant type: single nucleotide variant.
Coding change: c.*523C>T on transcript NM_004863.4 (MANE Select); 523 bases downstream of the stop codon, C replaced by T.
Molecular consequence: 3 prime UTR variant.
Genome position (GRCh38, 1-based): chr14:77,511,761, G>A on the plus strand (C>T on the coding strand, the complement: SPTLC2 is on the minus strand). VCF-style: chr14-77511761-G-A. GRCh37 (hg19) VCF-style: chr14-77978104-G-A.
Identifiers: ClinVar variation 314656 (VCV000314656.5), dbSNP rs561128453, ClinGen allele CA10635436.

ClinVar aggregate classification (germline): Benign (1 of 4 stars; one submission).

Conditions:
Neuropathy, hereditary sensory and autonomic, type 1C. Also called: HSAN IC; HSN IC. Identifiers: Orphanet 36386, MedGen C3150896, MONDO:0013337, OMIM 613640.

Allele frequency attached by ClinVar (database versions not stated): gnomAD 0.00001 and 0.00036; TOPMed 0.00009; gnomAD exomes 0.00124; 1000 Genomes Project 30x 0.00359; 1000 Genomes Project 0.00399.
gnomAD v4.1: 82 of 175,998 alleles (0.047%); highest among the groups gnomAD compares: South Asian, 1.1%; 1 homozygote.

Submission:

Illumina Laboratory Services, Illumina
Classification: Benign for Neuropathy, hereditary sensory and autonomic, type 1C. Last evaluated: 2018-01-13. Review status: criteria provided, single submitter. Criteria: ICSL Variant Classification Criteria 13 December 2019. Collection method: clinical testing. Allele origin: germline.
Comment: This variant was observed in the ICSL laboratory as part of a predisposition screen in an ostensibly healthy population. It had not been previously curated by ICSL or reported in the Human Gene Mutation Database (HGMD: prior to June 1st, 2018), and was therefore a candidate for classification through an automated scoring system. Utilizing variant allele frequency, disease prevalence and penetrance estimates, and inheritance mode, an automated score was calculated to assess if this variant is too frequent to cause the disease. Based on the score and internal cut-off values, a variant classified as benign is not then subjected to further curation. The score for this variant resulted in a classification of benign for this disease.